The following is an entry in ClinVar:

NM_000307.5(POU3F4):c.446del (p.Gly149fs)

Gene: POU3F4 (POU class 3 homeobox 4; plus strand). Cytogenetic location: Xq21.1.
Variant type: Deletion.
Coding change: c.446del on transcript NM_000307.5 (MANE Select); coding-DNA position 446, one base deleted (G; older notation c.446delG).
Protein change: p.Gly149fs; shifts the reading frame from glycine 149.
Molecular consequence: frameshift variant.
Genome position (GRCh38, 1-based): chrX:83,508,770, G deleted; the last of 5 consecutive G bases (chrX:83,508,766-83,508,770); deleting any one gives the same sequence. VCF-style (leftmost placement, unchanged base first): chrX-83508765-CG-C. GRCh37 (hg19) VCF-style: chrX-82763773-CG-C.
Other names: short protein forms G149fs.
Identifiers: ClinVar variation 3601663 (VCV003601663.1).

ClinVar aggregate classification (germline): Pathogenic (1 of 4 stars; one submission).

Conditions:
X-linked mixed hearing loss with perilymphatic gusher. Also called: Deafness, X-linked 2; NANCE DEAFNESS; PERILYMPHATIC GUSHER-DEAFNESS SYNDROME; SENSORINEURAL DEAFNESS, PROFOUND, WITH OR WITHOUT A CONDUCTIVE COMPONENT, ASSOCIATED WITH A UNIQUE DEVELOPMENTAL ABNORMALITY OF THE EAR; Gusher syndrome. Identifiers: Orphanet 383, MedGen C1844678, MONDO:0010576, OMIM 304400.

Submission:

Institute of Rare Diseases, West China Hospital, Sichuan University
Classification: Pathogenic for X-linked mixed hearing loss with perilymphatic gusher. Last evaluated: 2025-01-09. Review status: criteria provided, single submitter. Criteria: ClinGen HL ACMG Specifications v1. Collection method: research. Allele origin: germline. Affected: yes.
Comment: PVS1;PM3_Supporting;PM2_Supporting